The following is an entry in ClinVar:

NM_020738.4(KIDINS220):c.5258A>G (p.His1753Arg)

Gene: KIDINS220 (kinase D interacting substrate 220; minus strand). Cytogenetic location: 2p25.1.
Variant type: single nucleotide variant.
Coding change: c.5258A>G on transcript NM_020738.4 (MANE Select); coding-DNA position 5258, A replaced by G.
Protein change: p.His1753Arg; replaces histidine 1753 with arginine.
Molecular consequence: missense variant. On other transcripts: intron variant (6).
Genome position (GRCh38, 1-based): chr2:8,730,778, T>C on the plus strand (A>G on the coding strand, the complement: KIDINS220 is on the minus strand). VCF-style: chr2-8730778-T-C. GRCh37 (hg19) VCF-style: chr2-8870908-T-C.
Other names: c.5261A>G, p.His1754Arg (NM_001348729.2); c.5204A>G, p.His1735Arg (NM_001348731.2); c.5201A>G, p.His1734Arg (NM_001348732.2); c.5090A>G, p.His1697Arg (NM_001348734.2); c.5087A>G, p.His1696Arg (NM_001348735.2); c.4961A>G, p.His1654Arg (NM_001348736.2); c.3882+2666A>G (NM_001348741.2, NM_001348742.2, NM_001348743.2); c.3996+2666A>G (NM_001348738.2); and 1 more; short protein forms H1696R, H1697R, H1734R, H1735R, H1654R, H1753R, H1754R.
Identifiers: ClinVar variation 2991558 (VCV002991558.3), dbSNP rs2527389706, ClinGen allele CA345760965.

ClinVar aggregate classification (germline): Uncertain significance (1 of 4 stars; one submission).

Submission:

Labcorp Genetics (formerly Invitae), Labcorp
Classification: Uncertain significance. Last evaluated: 2023-04-27. Review status: criteria provided, single submitter. Criteria: Invitae Variant Classification Sherloc (09022015). Collection method: clinical testing. Allele origin: germline.
Comment: Algorithms developed to predict the effect of missense changes on protein structure and function output the following: SIFT: "Not Available"; PolyPhen-2: "Benign"; Align-GVGD: "Not Available". The arginine amino acid residue is found in multiple mammalian species, which suggests that this missense change does not adversely affect protein function. This variant has not been reported in the literature in individuals affected with KIDINS220-related conditions. This variant is not present in population databases (gnomAD no frequency). This sequence change replaces histidine, which is basic and polar, with arginine, which is basic and polar, at codon 1753 of the KIDINS220 protein (p.His1753Arg). In summary, the available evidence is currently insufficient to determine the role of this variant in disease. Therefore, it has been classified as a Variant of Uncertain Significance.